The following is an entry in ClinVar:

NM_080425.4(GNAS):c.1042C>A (p.Arg348=)

Gene: GNAS (GNAS complex locus; plus strand). Cytogenetic location: 20q13.32.
Variant type: single nucleotide variant.
Coding change: c.1042C>A on transcript NM_080425.4 (MANE Plus Clinical); coding-DNA position 1042, C replaced by A.
Protein change: p.Arg348=; no amino-acid change (arginine 348 retained).
Molecular consequence: synonymous variant. On other transcripts: intron variant (3), missense variant (2).
Genome position (GRCh38, 1-based): chr20:58,854,307, C>A. VCF-style: chr20-58854307-C-A. GRCh37 (hg19) VCF-style: chr20-57429362-C-A.
Other names: c.*42+13421C>A (NM_016592.5); c.43+13421C>A (NM_001410912.1); c.-39+12432C>A (NM_001309861.2); c.1042C>A, p.Arg348= (NM_001410913.1); c.855C>A, p.Ser285Arg (NM_001077490.3, NM_001309883.1); short protein forms S285R.
Identifiers: ClinVar variation 3356760 (VCV003356760.1).

ClinVar aggregate classification (germline): Uncertain significance (0 of 4 stars; one submission).

Conditions:
GNAS-related disorder. Identifiers: MedGen CN380105.

Submission:

PreventionGenetics, part of Exact Sciences
Classification: Uncertain significance for GNAS-related condition. Last evaluated: 2024-04-12. Review status: no assertion criteria provided. Collection method: clinical testing. Allele origin: germline.
Comment: The GNAS c.855C>A variant is predicted to result in the amino acid substitution p.Ser285Arg. Of note, in the more commonly reported transcript (NM_000516.5) this variant is pre-coding (c.-37420C>A). To our knowledge, this variant has not been reported in the literature. This variant is reported in 0.0093% of alleles in individuals of African descent in gnomAD. At this time, the clinical significance of this variant is uncertain due to the absence of conclusive functional and genetic evidence.